The following is an entry in ClinVar:

NM_000548.5(TSC2):c.3611-2A>G

Gene: TSC2 (TSC complex subunit 2; plus strand). Cytogenetic location: 16p13.3.
Variant type: single nucleotide variant.
Coding change: c.3611-2A>G on transcript NM_000548.5 (MANE Select); the canonical splice acceptor site of the intron before coding-DNA position 3611, A replaced by G.
Molecular consequence: splice acceptor variant.
Genome position (GRCh38, 1-based): chr16:2,081,593, A>G. VCF-style: chr16-2081593-A-G. GRCh37 (hg19) VCF-style: chr16-2131594-A-G.
Other names: c.2138-2A>G (NM_001406690.1, NM_001406692.1, NM_001406694.1 and 1 more transcripts); c.2135-2A>G (NM_001406691.1, NM_001406697.1, NM_001406695.1 and 1 more transcripts); c.1877-2A>G (NM_001406698.1); c.3611-2A>G (NM_001114382.3); c.3608-2A>G (NM_001406663.1, NM_001406664.1); c.3482-2A>G (NM_021055.3, NM_001370405.1, NM_001363528.2); c.3479-2A>G (NM_001406665.1, NM_001370404.1, NM_001077183.3); c.3470-2A>G (NM_001406671.1); and 18 more.
Identifiers: ClinVar variation 238023 (VCV000238023.7), dbSNP rs397515169, ClinGen allele CA10583321.
Genomic context (GRCh38, chr16:2,081,593, plus strand): 5'-GGGGCCAGAGATGGGTAAGGGGAGGTACTGGCCTCAGGCCAAAGGTGCTGCCGCCTCCGC[A>G]GGGAACACCAGCTGGCTGATGAGCCTGGAGAACCCGCTCAGCCCTTTCTCCTCGGACATC-3'

ClinVar aggregate classification (germline): Likely pathogenic (1 of 4 stars; one submission).

Conditions:
Tuberous sclerosis 2 (TSC2). Identifiers: Orphanet 805, MedGen C1860707, MONDO:0013199, OMIM 613254.

Submission:

Labcorp Genetics (formerly Invitae), Labcorp
Classification: Likely pathogenic for Tuberous sclerosis 2. Last evaluated: 2016-02-25. Review status: criteria provided, single submitter. Criteria: Invitae Variant Classification Sherloc (09022015). Collection method: clinical testing. Allele origin: germline.
Comment: This variant has not been reported in the literature in an individual with a TSC2-related disease. In summary, donor and acceptor splice site variants are typically truncating (PMID: 16199547), and truncating variants in TSC2 are known to be pathogenic (PMID: 10205261, 17304050). However, without additional functional and/or genetic data, this variant has been classified as Likely Pathogenic. This sequence change affects an acceptor splice site in intron 30 of the TSC2 gene. It is expected to disrupt mRNA splicing and likely results in an absent or disrupted protein product.

Literature cited by the submitters: PubMed 16199547; PubMed 10205261; PubMed 17304050.